The following is an entry in ClinVar:

ClinVar aggregate classification (germline): Pathogenic. Review status: criteria provided, multiple submitters, no conflicts (2 of 4 stars). 2 submissions from 2 submitters: Pathogenic (2). Last evaluated 2024-09-29.

Conditions:
Progressive sclerosing poliodystrophy (MTDPS4A). Also called: Mitochondrial DNA Depletion Syndrome 4A; Alpers-Huttenlocher Syndrome (AHS); ALPERS PROGRESSIVE INFANTILE POLIODYSTROPHY; Alpers Syndrome; ALPERS DIFFUSE DEGENERATION OF CEREBRAL GRAY MATTER WITH HEPATIC CIRRHOSIS; Alpers-Huttenlocher Syndrome. Identifiers: Orphanet 726, MedGen C0205710, MONDO:0008758, OMIM 203700.
POLG-related disorder. Also called: POLG-related condition; POLG-Related Disorders; POLG-Related Spectrum Disorders. Identifiers: MedGen C4763519.

Submissions (2):

Myriad Genetics, Inc.
Classification: Pathogenic for POLG-related disorder. Last evaluated: 2024-09-29. Review status: criteria provided, single submitter. Criteria: Myriad Autosomal Dominant, Autosomal Recessive and X-Linked Classification Criteria (2023). Collection method: clinical testing. Allele origin: unknown.
Comment: NM_002693.2(POLG):c.1035G>A(W345*) is expected to be pathogenic in the context of POLG-related disorders. This variant is predicted to lead to an abnormal or absent protein product due to the creation of a premature termination codon in POLG, a gene where loss-of-function variants are known to be pathogenic. Please note: this variant was assessed in the context of healthy population screening.

Labcorp Genetics (formerly Invitae), Labcorp
Classification: Pathogenic for Progressive sclerosing poliodystrophy. Last evaluated: 2023-10-06. Review status: criteria provided, single submitter. Criteria: Invitae Variant Classification Sherloc (09022015). Collection method: clinical testing. Allele origin: germline.
Comment: This sequence change creates a premature translational stop signal (p.Trp345*) in the POLG gene. It is expected to result in an absent or disrupted protein product. Loss-of-function variants in POLG are known to be pathogenic (PMID: 18546365). This variant is not present in population databases (gnomAD no frequency). This variant has not been reported in the literature in individuals affected with POLG-related conditions. For these reasons, this variant has been classified as Pathogenic.

Literature cited by the submitters: PubMed 18546365 (cited by Labcorp Genetics (formerly Invitae), Labcorp).

NM_002693.3(POLG):c.1035G>A (p.Trp345Ter)

Gene: POLG (DNA polymerase gamma, catalytic subunit; minus strand). Cytogenetic location: 15q26.1.
Variant type: single nucleotide variant.
Coding change: c.1035G>A on transcript NM_002693.3 (MANE Select); coding-DNA position 1035, G replaced by A.
Protein change: p.Trp345Ter; replaces tryptophan 345 with a stop codon.
Molecular consequence: nonsense.
Genome position (GRCh38, 1-based): chr15:89,328,820, C>T on the plus strand (G>A on the coding strand, the complement: POLG is on the minus strand). VCF-style: chr15-89328820-C-T. GRCh37 (hg19) VCF-style: chr15-89872051-C-T.
Other names: c.1035G>A, p.Trp345Ter (NM_001126131.2); short protein forms W345*.
Identifiers: ClinVar variation 1373955 (VCV001373955.5), dbSNP rs2152067996, ClinGen allele CA393765237.